The following is an entry in ClinVar:

NM_003737.4(DCHS1):c.9512C>T (p.Pro3171Leu)

Gene: DCHS1 (dachsous cadherin-related 1; minus strand). Cytogenetic location: 11p15.4.
Variant type: single nucleotide variant.
Coding change: c.9512C>T on transcript NM_003737.4 (MANE Select); coding-DNA position 9512, C replaced by T.
Protein change: p.Pro3171Leu; replaces proline 3171 with leucine.
Molecular consequence: missense variant.
Genome position (GRCh38, 1-based): chr11:6,622,164, G>A on the plus strand (C>T on the coding strand, the complement: DCHS1 is on the minus strand). VCF-style: chr11-6622164-G-A. GRCh37 (hg19) VCF-style: chr11-6643395-G-A.
Other names: short protein forms P3171L.
Identifiers: ClinVar variation 4696726 (VCV004696726.1).
Genomic context (GRCh38, chr11:6,622,164, plus strand): 5'-CGAGCTTCATCCTTGAGCCGAGCGATCTCTGTGAAGACACTGGCCAGTGGTTGGAACTGA[G>A]GGCACCAGCTCAGCAGGTAGTCCCAGTTATAGCTGCCACGGAGCTCCTCCTCGCCGGCCA-3'
Protein context (NP_003728.1, residues 3161-3181): YNWDYLLSWC[Pro3171Leu]QFQPLASVFT

ClinVar aggregate classification (germline): Uncertain significance (1 of 4 stars; one submission).

Submission:

Labcorp Genetics (formerly Invitae), Labcorp
Classification: Uncertain significance. Last evaluated: 2026-01-13. Review status: criteria provided, single submitter. Criteria: Invitae Variant Classification Sherloc (09022015). Collection method: clinical testing. Allele origin: germline.
Comment: This sequence change replaces proline, which is neutral and non-polar, with leucine, which is neutral and non-polar, at codon 3171 of the DCHS1 protein (p.Pro3171Leu). This variant is not present in population databases (gnomAD no frequency). This variant has not been reported in the literature in individuals affected with DCHS1-related conditions. Invitae Evidence Modeling of protein sequence and biophysical properties (such as structural, functional, and spatial information, amino acid conservation, physicochemical variation, residue mobility, and thermodynamic stability) indicates that this missense variant is expected to disrupt DCHS1 protein function with a positive predictive value of 95%. In summary, the available evidence is currently insufficient to determine the role of this variant in disease. Therefore, it has been classified as a Variant of Uncertain Significance.